The following is an entry in ClinVar:

ClinVar aggregate classification (germline): Uncertain significance. Review status: criteria provided, multiple submitters, no conflicts (2 of 4 stars). 3 submissions from 3 submitters: Uncertain significance (3). Last evaluated 2026-06-25.

Conditions:
COL2A1-related disorder. Also called: COL2A1-related condition; COL2A1-related disorders.

Allele frequency attached by ClinVar (database versions not stated): gnomAD 0.00002; gnomAD exomes 0.00002; TOPMed 0.00002; ESP Exome Variant Server 0.00008.
gnomAD v4.1: 23 of 1,613,176 alleles (0.0014%); highest among the groups gnomAD compares: East Asian, 0.0089%; no homozygotes.

Submissions (3):

PreventionGenetics, part of Exact Sciences
Classification: Uncertain significance for COL2A1-related condition. Last evaluated: 2026-06-25. Review status: criteria provided, single submitter. Criteria: ACMG Guidelines, 2015. Collection method: clinical testing. Allele origin: germline.
Comment: The COL2A1 c.1832A>G variant is predicted to result in the amino acid substitution p.Asn611Ser. To our knowledge, this variant has not been reported in the literature. This variant is reported in 0.020% of alleles in individuals of East Asian descent in gnomAD v2. However, in gnomAD v4 (available only on GRCh38), this variant is reported in 0.0089% of alleles in in individuals of East Asian descent. At this time, the clinical significance of this variant is uncertain due to the absence of conclusive functional and genetic evidence.

Labcorp Genetics (formerly Invitae), Labcorp
Classification: Uncertain significance. Last evaluated: 2025-10-03. Review status: criteria provided, single submitter. Criteria: Invitae Variant Classification Sherloc (09022015). Collection method: clinical testing. Allele origin: germline.
Comment: This sequence change replaces asparagine, which is neutral and polar, with serine, which is neutral and polar, at codon 611 of the COL2A1 protein (p.Asn611Ser). This variant is present in population databases (rs142492439, gnomAD 0.02%). This variant has not been reported in the literature in individuals affected with COL2A1-related conditions. ClinVar contains an entry for this variant (Variation ID: 636690). An algorithm developed to predict the effect of missense changes on protein structure and function outputs the following: PolyPhen-2: "Benign". The serine amino acid residue is found in multiple mammalian species, which suggests that this missense change does not adversely affect protein function. In summary, the available evidence is currently insufficient to determine the role of this variant in disease. Therefore, it has been classified as a Variant of Uncertain Significance.

Blueprint Genetics
Classification: Uncertain significance. Last evaluated: 2024-08-09. Review status: criteria provided, single submitter. Criteria: ACMG Guidelines, 2015. Collection method: clinical testing. Allele origin: germline.

NM_001844.5(COL2A1):c.1832A>G (p.Asn611Ser)

Gene: COL2A1 (collagen type II alpha 1 chain; minus strand). Cytogenetic location: 12q13.11.
Variant type: single nucleotide variant.
Coding change: c.1832A>G on transcript NM_001844.5 (MANE Select); coding-DNA position 1832, A replaced by G.
Protein change: p.Asn611Ser; replaces asparagine 611 with serine.
Molecular consequence: missense variant.
Genome position (GRCh38, 1-based): chr12:47,984,996, T>C on the plus strand (A>G on the coding strand, the complement: COL2A1 is on the minus strand). VCF-style: chr12-47984996-T-C. GRCh37 (hg19) VCF-style: chr12-48378779-T-C.
Other names: c.1625A>G, p.Asn542Ser (NM_033150.3); short protein forms N611S, N542S.
Identifiers: ClinVar variation 636690 (VCV000636690.5), dbSNP rs142492439, ClinGen allele CA236527215.
Genomic context (GRCh38, chr12:47,984,996, plus strand): 5'-AGGGCAGGGAGGTAGGTAGCACCACATGGAAGGAAATAGAAGAGCAAATTATTACTTACG[T>C]TGGCACCTTTGGGGCCAGGGAAACCCATGACACCAGGCTGCCCACGAGCCCCCTGAGGAC-3'
Protein context (NP_001835.3, residues 601-621): VMGFPGPKGA[Asn611Ser]GEPGKAGEKG